The following is an entry in ClinVar:

NM_001458.5(FLNC):c.5671G>T (p.Gly1891Cys)

Genes: FLNC (filamin C; plus strand), FLNC-AS1 (FLNC antisense RNA 1; minus strand). Cytogenetic location: 7q32.1.
Variant type: single nucleotide variant.
Coding change: c.5671G>T on transcript NM_001458.5 (MANE Select); coding-DNA position 5671, G replaced by T.
Protein change: p.Gly1891Cys; replaces glycine 1891 with cysteine.
Molecular consequence: missense variant. On other transcripts: non-coding transcript variant (1).
Genome position (GRCh38, 1-based): chr7:128,851,457, G>T. VCF-style: chr7-128851457-G-T. GRCh37 (hg19) VCF-style: chr7-128491511-G-T.
Other names: c.5572G>T, p.Gly1858Cys (NM_001127487.2); short protein forms G1891C, G1858C.
Identifiers: ClinVar variation 1483001 (VCV001483001.8), dbSNP rs2128938427, ClinGen allele CA369207955.

ClinVar aggregate classification (germline): Uncertain significance (1 of 4 stars; one submission).

Conditions:
Myofibrillar myopathy 5. Also called: Filaminopathy (type); FILAMINOPATHY, AUTOSOMAL DOMINANT. Identifiers: Orphanet 171445, MedGen C1836050, MONDO:0012289, OMIM 609524.
Distal myopathy with posterior leg and anterior hand involvement. Also called: WILLIAMS DISTAL MYOPATHY. Identifiers: Orphanet 63273, MedGen C3279722, MONDO:0013550, OMIM 614065.
Hypertrophic cardiomyopathy 26. Also called: Cardiomyopathy, familial hypertrophic, 26. Identifiers: Orphanet 75249, MedGen C4310749, MONDO:0014883, OMIM 617047.

Submission:

Labcorp Genetics (formerly Invitae), Labcorp
Classification: Uncertain significance for Distal myopathy with posterior leg and anterior hand involvement; Myofibrillar myopathy 5; Hypertrophic cardiomyopathy 26. Last evaluated: 2022-02-02. Review status: criteria provided, single submitter. Criteria: Invitae Variant Classification Sherloc (09022015). Collection method: clinical testing. Allele origin: germline.
Comment: In summary, the available evidence is currently insufficient to determine the role of this variant in disease. Therefore, it has been classified as a Variant of Uncertain Significance. Algorithms developed to predict the effect of missense changes on protein structure and function are either unavailable or do not agree on the potential impact of this missense change (SIFT: "Deleterious"; PolyPhen-2: "Probably Damaging"; Align-GVGD: "Class C15"). This variant has not been reported in the literature in individuals affected with FLNC-related conditions. This variant is not present in population databases (gnomAD no frequency). This sequence change replaces glycine, which is neutral and non-polar, with cysteine, which is neutral and slightly polar, at codon 1891 of the FLNC protein (p.Gly1891Cys).